The following is an entry in ClinVar:

ClinVar aggregate classification (germline): Uncertain significance (1 of 4 stars; one submission).

Conditions:
Episodic kinesigenic dyskinesia (EKD). Also called: Paroxysmal kinesigenic dyskinesia. Identifiers: Orphanet 98809, MedGen C1868682, MONDO:0044202.

Allele frequency attached by ClinVar (database versions not stated): gnomAD exomes below 0.00001.
gnomAD v4.1: 5 of 1,603,332 alleles (0.00031%); highest among the groups gnomAD compares: South Asian, 0.0056%; no homozygotes.

Submission:

Labcorp Genetics (formerly Invitae), Labcorp
Classification: Uncertain significance for Episodic kinesigenic dyskinesia. Last evaluated: 2025-03-19. Review status: criteria provided, single submitter. Criteria: Invitae Variant Classification Sherloc (09022015). Collection method: clinical testing. Allele origin: germline.
Comment: This sequence change falls in intron 3 of the PRRT2 gene. It does not directly change the encoded amino acid sequence of the PRRT2 protein. It affects a nucleotide within the consensus splice site. This variant is not present in population databases (gnomAD no frequency). This variant has not been reported in the literature in individuals affected with PRRT2-related conditions. ClinVar contains an entry for this variant (Variation ID: 1486457). Variants that disrupt the consensus splice site are a relatively common cause of aberrant splicing (PMID: 17576681, 9536098). Algorithms developed to predict the effect of sequence changes on RNA splicing suggest that this variant is not likely to affect RNA splicing. In summary, the available evidence is currently insufficient to determine the role of this variant in disease. Therefore, it has been classified as a Variant of Uncertain Significance.

Literature cited by the submitters: PubMed 17576681; PubMed 9536098.

NM_145239.3(PRRT2):c.1012+6T>C

Genes: MVP-DT (MVP divergent transcript; minus strand), PRRT2 (proline rich transmembrane protein 2; plus strand). Cytogenetic location: 16p11.2.
Variant type: single nucleotide variant.
Coding change: c.1012+6T>C on transcript NM_145239.3 (MANE Select); 6 bases into the intron after coding-DNA position 1012, T replaced by C.
Molecular consequence: intron variant. On other transcripts: missense variant (1), 3 prime UTR variant (1).
Genome position (GRCh38, 1-based): chr16:29,814,471, T>C. VCF-style: chr16-29814471-T-C. GRCh37 (hg19) VCF-style: chr16-29825792-T-C.
Other names: c.1018T>C, p.Trp340Arg (NM_001256442.2); c.*517T>C (NM_001256443.2); short protein forms W340R.
Identifiers: ClinVar variation 1486457 (VCV001486457.6), dbSNP rs775846239, ClinGen allele CA7994643.